The following is an entry in ClinVar:

ClinVar aggregate classification (germline): Pathogenic/Likely pathogenic. Review status: criteria provided, multiple submitters, no conflicts (2 of 4 stars). 3 submissions from 3 submitters: Pathogenic (2); Likely pathogenic (1). Last evaluated 2023-03-30.

Submissions (3):

Athena Diagnostics
Classification: Pathogenic. Last evaluated: 2023-03-30. Review status: criteria provided, single submitter. Criteria: Athena Diagnostics Criteria. Collection method: clinical testing. Allele origin: unknown.
Comment: This variant has been identified in at least one individual with clinical features associated with CADASIL. This variant has not been reported in large, multi-ethnic general populations. This variant alters a critical location within the protein, and is expected to severely affect function and cause disease. Greater than 90% of NOTCH3 pathogenic variants associated with CADASIL involve the gain or loss of a cysteine residue within the epidermal growth factor (EGF)-like repeat domain (PMID: 32457593, 20301673).

CeGaT Center for Human Genetics Tuebingen
Classification: Pathogenic. Last evaluated: 2023-01-01. Review status: criteria provided, single submitter. Criteria: CeGaT Center For Human Genetics Tuebingen Variant Classification Criteria Version 2. Collection method: clinical testing. Allele origin: germline. Affected: yes. Observed: 1 variant allele.
Comment: NOTCH3: PM1, PM2, PM5, PS4:Moderate, PP2, PP3

GeneDx
Classification: Likely pathogenic. Last evaluated: 2021-06-26. Review status: criteria provided, single submitter. Criteria: GeneDx Variant Classification Process June 2021. Collection method: clinical testing. Allele origin: germline. Affected: yes.
Comment: Not observed at significant frequency in large population cohorts (Lek et al., 2016); In silico analysis supports that this missense variant has a deleterious effect on protein structure/function; This variant is associated with the following publications: (PMID: 27844030, 24844136, 27535533)

Literature cited by the submitters: PubMed 27844030 (cited by Athena Diagnostics).

NM_000435.3(NOTCH3):c.1790G>A (p.Cys597Tyr)

Gene: NOTCH3 (notch receptor 3; minus strand). Cytogenetic location: 19p13.12.
Variant type: single nucleotide variant.
Coding change: c.1790G>A on transcript NM_000435.3 (MANE Select); coding-DNA position 1790, G replaced by A.
Protein change: p.Cys597Tyr; replaces cysteine 597 with tyrosine.
Molecular consequence: missense variant.
Genome position (GRCh38, 1-based): chr19:15,187,155, C>T on the plus strand (G>A on the coding strand, the complement: NOTCH3 is on the minus strand). VCF-style: chr19-15187155-C-T. GRCh37 (hg19) VCF-style: chr19-15297966-C-T.
Other names: short protein forms C597Y.
Identifiers: ClinVar variation 973083 (VCV000973083.34), dbSNP rs2046888772, ClinGen allele CA404524762.
Genomic context (GRCh38, chr19:15,187,155, plus strand): 5'-CCGGTCCCACCTGTGGTCCCAGAAGGGCAGCGGCAGAGGTACTTGTCCACCAGGTCTAGG[C>T]ATTTGCCGCCATGGCGGCAGGGCTGGCTGCGGCATTCGTCCACCTGGCTCTCGCAGCGTG-3'
Protein context (NP_000426.2, residues 587-607): RSQPCRHGGK[Cys597Tyr]LDLVDKYLCR